The following is an entry in ClinVar:

ClinVar aggregate classification (germline): Uncertain significance. Review status: criteria provided, multiple submitters, no conflicts (2 of 4 stars). 3 submissions from 3 submitters: Uncertain significance (3). Last evaluated 2025-11-13.

Conditions:
Familial thoracic aortic aneurysm and aortic dissection (TAAD). Also called: Thoracic aortic aneurysms and dissections. Identifiers: Orphanet 91387, MedGen C4707243, MONDO:0019625.

gnomAD v4.1: 1 of 1,614,162 alleles (0.000062%); highest among the groups gnomAD compares: East Asian, 0.0022%; no homozygotes.

Submissions (3):

Labcorp Genetics (formerly Invitae), Labcorp
Classification: Uncertain significance for Familial thoracic aortic aneurysm and aortic dissection. Last evaluated: 2025-11-13. Review status: criteria provided, single submitter. Criteria: Invitae Variant Classification Sherloc (09022015). Collection method: clinical testing. Allele origin: germline.
Comment: This sequence change replaces valine, which is neutral and non-polar, with methionine, which is neutral and non-polar, at codon 167 of the TGFBR2 protein (p.Val167Met). This variant is not present in population databases (gnomAD no frequency). This variant has not been reported in the literature in individuals affected with TGFBR2-related conditions. ClinVar contains an entry for this variant (Variation ID: 4183583). Invitae Evidence Modeling of protein sequence and biophysical properties (such as structural, functional, and spatial information, amino acid conservation, physicochemical variation, residue mobility, and thermodynamic stability) indicates that this missense variant is not expected to disrupt TGFBR2 protein function with a negative predictive value of 95%. In summary, the available evidence is currently insufficient to determine the role of this variant in disease. Therefore, it has been classified as a Variant of Uncertain Significance.

Ambry Genetics
Classification: Uncertain significance for Familial thoracic aortic aneurysm and aortic dissection. Last evaluated: 2025-07-29. Review status: criteria provided, single submitter. Criteria: Ambry Variant Classification Scheme 2023. Collection method: clinical testing. Allele origin: germline.
Comment: The p.V167M variant (also known as c.499G>A), located in coding exon 4 of the TGFBR2 gene, results from a G to A substitution at nucleotide position 499. The valine at codon 167 is replaced by methionine, an amino acid with highly similar properties. This amino acid position is conserved. In addition, the in silico prediction for this alteration is inconclusive. Based on the available evidence, the clinical significance of this variant remains unclear.

Blueprint Genetics
Classification: Uncertain significance. Last evaluated: 2019-08-28. Review status: criteria provided, single submitter. Criteria: ACMG Guidelines, 2015. Collection method: clinical testing. Allele origin: germline.

NM_003242.6(TGFBR2):c.499G>A (p.Val167Met)

Gene: TGFBR2 (transforming growth factor beta receptor 2; plus strand). Cytogenetic location: 3p24.1.
Variant type: single nucleotide variant.
Coding change: c.499G>A on transcript NM_003242.6 (MANE Select); coding-DNA position 499, G replaced by A.
Protein change: p.Val167Met; replaces valine 167 with methionine.
Molecular consequence: missense variant. On other transcripts: intron variant (1).
Genome position (GRCh38, 1-based): chr3:30,671,682, G>A. VCF-style: chr3-30671682-G-A. GRCh37 (hg19) VCF-style: chr3-30713174-G-A.
Other names: c.574G>A, p.Val192Met (NM_001024847.3); c.682G>A, p.Val228Met (NM_001407126.1); c.607G>A, p.Val203Met (NM_001407127.1); c.526G>A, p.Val176Met (NM_001407128.1); c.502G>A, p.Val168Met (NM_001407129.1); c.499G>A, p.Val167Met (NM_001407130.1); c.394G>A, p.Val132Met (NM_001407132.1, NM_001407133.1, NM_001407134.1 and 2 more transcripts); c.214G>A, p.Val72Met (NM_001407137.1); and 2 more; short protein forms V168M, V192M, V47M, V167M, V228M, V132M, V176M, V203M.
Identifiers: ClinVar variation 4183583 (VCV004183583.3).
Genomic context (GRCh38, chr3:30,671,682, plus strand): 5'-TTTGTTTCCCCATCAGAATATAACACCAGCAATCCTGACTTGTTGCTAGTCATATTTCAA[G>A]TGACAGGCATCAGCCTCCTGCCACCACTGGGAGTTGCCATATCTGTCATCATCATCTTCT-3'
Protein context (NP_003233.4, residues 157-177): NPDLLLVIFQ[Val167Met]TGISLLPPLG